The following is an entry in ClinVar:

ClinVar aggregate classification (germline): Uncertain significance (1 of 4 stars; one submission).

Submission:

GeneDx
Classification: Uncertain significance. Last evaluated: 2026-03-18. Review status: criteria provided, single submitter. Criteria: GeneDx Variant Classification Process June 2021. Collection method: clinical testing. Allele origin: germline.
Comment: Not observed at significant frequency in large population cohorts (gnomAD); In silico analysis supports that this missense variant has a deleterious effect on protein structure/function; Has not been previously published as pathogenic or benign to our knowledge.

NM_003466.4(PAX8):c.335T>C (p.Leu112Pro)

Genes: PAX8 (paired box 8; minus strand), PAX8-AS1 (PAX8 antisense RNA 1; plus strand). Cytogenetic location: 2q14.1.
Variant type: single nucleotide variant.
Coding change: c.335T>C on transcript NM_003466.4 (MANE Select); coding-DNA position 335, T replaced by C.
Protein change: p.Leu112Pro; replaces leucine 112 with proline.
Molecular consequence: missense variant.
Genome position (GRCh38, 1-based): chr2:113,244,481, A>G on the plus strand (T>C on the coding strand, the complement: PAX8 is on the minus strand). VCF-style: chr2-113244481-A-G. GRCh37 (hg19) VCF-style: chr2-114002058-A-G.
Other names: c.335T>C, p.Leu112Pro (NM_013952.4, NM_013953.4, NM_013992.4); short protein forms L112P.
Identifiers: ClinVar variation 5009354 (VCV005009354.1).